The following is an entry in ClinVar:

ClinVar aggregate classification (germline): Uncertain significance (1 of 4 stars; one submission).

Conditions:
Symmetrical dyschromatosis of extremities (DSH). Also called: Dyschromatosis symmetrica hereditaria; RETICULATE ACROPIGMENTATION OF DOHI; DYSCHROMATOSIS SYMMETRICA HEREDITARIA 1; SYMMETRIC DYSCHROMATOSIS OF THE EXTREMITIES. Identifiers: Orphanet 41, MedGen C0406775, MONDO:0007483, OMIM 127400.
Aicardi-Goutieres syndrome 6 (AGS6). Identifiers: Orphanet 51, MedGen C3539013, MONDO:0014007, OMIM 615010.

Allele frequency attached by ClinVar (database versions not stated): TOPMed 0.00002; ExAC 0.00003; gnomAD 0.00003; gnomAD exomes 0.00003.
gnomAD v4.1: 15 of 1,610,242 alleles (0.00093%); highest among the groups gnomAD compares: Admixed American, 0.017%; no homozygotes.

Submission:

Labcorp Genetics (formerly Invitae), Labcorp
Classification: Uncertain significance for Aicardi-Goutieres syndrome 6; Symmetrical dyschromatosis of extremities. Last evaluated: 2025-04-01. Review status: criteria provided, single submitter. Criteria: Invitae Variant Classification Sherloc (09022015). Collection method: clinical testing. Allele origin: germline.
Comment: This sequence change replaces alanine, which is neutral and non-polar, with threonine, which is neutral and polar, at codon 813 of the ADAR protein (p.Ala813Thr). This variant is present in population databases (rs754179945, gnomAD 0.02%). This variant has not been reported in the literature in individuals affected with ADAR-related conditions. ClinVar contains an entry for this variant (Variation ID: 1044310). An algorithm developed to predict the effect of missense changes on protein structure and function (PolyPhen-2) suggests that this variant is likely to be tolerated. In summary, the available evidence is currently insufficient to determine the role of this variant in disease. Therefore, it has been classified as a Variant of Uncertain Significance.

NM_001111.5(ADAR):c.2437G>A (p.Ala813Thr)

Gene: ADAR (adenosine deaminase RNA specific; minus strand). Cytogenetic location: 1q21.3.
Variant type: single nucleotide variant.
Coding change: c.2437G>A on transcript NM_001111.5 (MANE Select); coding-DNA position 2437, G replaced by A.
Protein change: p.Ala813Thr; replaces alanine 813 with threonine.
Molecular consequence: missense variant. On other transcripts: intron variant (3).
Genome position (GRCh38, 1-based): chr1:154,590,243, C>T on the plus strand (G>A on the coding strand, the complement: ADAR is on the minus strand). VCF-style: chr1-154590243-C-T. GRCh37 (hg19) VCF-style: chr1-154562719-C-T.
Other names: c.1552G>A, p.Ala518Thr (NM_001025107.3, NM_001193495.2, NM_001365046.1 and 2 more transcripts); c.2464G>A, p.Ala822Thr (NM_001365045.1); c.1533+19G>A (NM_001365049.1); c.2361+19G>A (NM_015841.4); c.2418+19G>A (NM_015840.4); short protein forms A822T, A813T, A518T.
Identifiers: ClinVar variation 1044310 (VCV001044310.6), dbSNP rs754179945, ClinGen allele CA1131295.
Genomic context (GRCh38, chr1:154,590,243, plus strand): 5'-CTGTCTTTGGCTGTGCTTCTGGGGACCTTGAGAGGAGGAGCATAGTTCTTCTGAGACTGG[C>T]CCCTGTCACTGGGGTTACCTCTGTGAAACCCATGCGTTCTGCCTTCTCGTTCTCCCCAAT-3'
Protein context (NP_001102.3, residues 803-823): GFTEVTPVTG[Ala813Thr]SLRRTMLLLS